The following is an entry in ClinVar:

ClinVar aggregate classification (germline): Conflicting classifications of pathogenicity. Review status: criteria provided, conflicting classifications (1 of 4 stars). 3 submissions from 3 submitters: Uncertain significance (2); Likely benign (1). Last evaluated 2026-07-17.

Conditions:
Cardiovascular phenotype. Identifiers: MedGen CN230736.
Brugada syndrome 5 (BRGDA5). Identifiers: Orphanet 130, Orphanet 871, MedGen C2748541, MONDO:0013015, OMIM 612838.

Allele frequency attached by ClinVar (database versions not stated): gnomAD exomes 0.00001 and 0.00004; ExAC 0.00004; gnomAD 0.00001; TOPMed 0.00002.
gnomAD v4.1: 21 of 1,614,066 alleles (0.0013%); highest among the groups gnomAD compares: Middle Eastern, 0.016%; no homozygotes.

Submissions (3):

GeneDx
Classification: Uncertain significance. Last evaluated: 2026-07-17. Review status: criteria provided, single submitter. Criteria: GeneDx Variant Classification Process June 2021. Collection method: clinical testing. Allele origin: germline.
Comment: Has not been previously published as pathogenic or benign to our knowledge; In silico analysis suggests that this missense variant does not alter protein structure/function; This variant is associated with the following publications: (PMID: 32439998)

Labcorp Genetics (formerly Invitae), Labcorp
Classification: Uncertain significance for Brugada syndrome 5. Last evaluated: 2026-01-01. Review status: criteria provided, single submitter. Criteria: Invitae Variant Classification Sherloc (09022015). Collection method: clinical testing. Allele origin: germline.
Comment: The SCN1B gene has multiple clinically relevant transcripts. This variant occurs in alternate transcript NM_001037.5, and corresponds to NM_199037.3:c.*5586G>A in the primary transcript. This sequence change replaces valine, which is neutral and non-polar, with isoleucine, which is neutral and non-polar, at codon 214 of the SCN1B protein (p.Val214Ile). This variant is present in population databases (rs77106213, gnomAD 0.009%). This variant has not been reported in the literature in individuals affected with SCN1B-related conditions. Experimental studies and prediction algorithms are not available or were not evaluated, and the functional significance of this variant is currently unknown. In summary, the available evidence is currently insufficient to determine the role of this variant in disease. Therefore, it has been classified as a Variant of Uncertain Significance.

Ambry Genetics
Classification: Likely benign for Cardiovascular phenotype. Last evaluated: 2022-10-20. Review status: criteria provided, single submitter. Criteria: Ambry Variant Classification Scheme 2023. Collection method: clinical testing. Allele origin: germline.

NM_001037.5(SCN1B):c.640G>A (p.Val214Ile)

Gene: SCN1B (sodium voltage-gated channel beta subunit 1; plus strand). Cytogenetic location: 19q13.11.
Variant type: single nucleotide variant.
Coding change: c.640G>A on transcript NM_001037.5 (MANE Select); coding-DNA position 640, G replaced by A.
Protein change: p.Val214Ile; replaces valine 214 with isoleucine.
Molecular consequence: missense variant.
Genome position (GRCh38, 1-based): chr19:35,039,684, G>A. VCF-style: chr19-35039684-G-A. GRCh37 (hg19) VCF-style: chr19-35530588-G-A.
Other names: p.V214I:GTC>ATC; c.541G>A, p.Val181Ile (NM_001321605.2); short protein forms V214I, V181I.
Identifiers: ClinVar variation 190854 (VCV000190854.14), dbSNP rs77106213, ClinGen allele CA302143.